The following is an entry in ClinVar:

NM_004329.3(BMPR1A):c.366A>T (p.Ile122=)

Gene: BMPR1A (bone morphogenetic protein receptor type 1A; plus strand). Cytogenetic location: 10q23.2.
Variant type: single nucleotide variant.
Coding change: c.366A>T on transcript NM_004329.3 (MANE Select); coding-DNA position 366, A replaced by T.
Protein change: p.Ile122=; no amino-acid change (isoleucine 122 retained).
Molecular consequence: synonymous variant.
Genome position (GRCh38, 1-based): chr10:86,899,826, A>T. VCF-style: chr10-86899826-A-T. GRCh37 (hg19) VCF-style: chr10-88659583-A-T.
Identifiers: ClinVar variation 922875 (VCV000922875.14), dbSNP rs1843280770, ClinGen allele CA470306505.

ClinVar aggregate classification (germline): Benign/Likely benign. Review status: criteria provided, multiple submitters, no conflicts (2 of 4 stars). 4 submissions from 4 submitters: Benign (1); Likely benign (3). Last evaluated 2026-01-18.

Conditions:
Juvenile polyposis syndrome (JPS). Identifiers: Orphanet 2929, MedGen C0345893, MONDO:0017380, OMIM 174900.
Hereditary cancer-predisposing syndrome. Also called: Hereditary Cancer Syndrome; Hereditary neoplastic syndrome; Neoplastic Syndromes, Hereditary; Tumor predisposition. Identifiers: Orphanet 140162, MedGen C0027672, MeSH D009386, MONDO:0015356.

Allele frequency attached by ClinVar (database versions not stated): gnomAD exomes below 0.00001.
gnomAD v4.1: 1 of 1,614,182 alleles (0.000062%); highest among the groups gnomAD compares: Non-Finnish European, 0.000085%; no homozygotes.

Submissions (4):

Labcorp Genetics (formerly Invitae), Labcorp
Classification: Likely benign for Juvenile polyposis syndrome. Last evaluated: 2026-01-18. Review status: criteria provided, single submitter. Criteria: Invitae Variant Classification Sherloc (09022015). Collection method: clinical testing. Allele origin: germline.

Myriad Genetics, Inc.
Classification: Benign for Juvenile polyposis syndrome. Last evaluated: 2024-08-01. Review status: criteria provided, single submitter. Criteria: Myriad Autosomal Dominant, Autosomal Recessive and X-Linked Classification Criteria (2023). Collection method: clinical testing. Allele origin: unknown.
Comment: This variant is considered benign. This variant is a silent/synonymous amino acid change and it is not expected to impact splicing.

Color Diagnostics, LLC DBA Color Health
Classification: Likely benign for Hereditary cancer-predisposing syndrome. Last evaluated: 2019-11-25. Review status: criteria provided, single submitter. Criteria: ACMG Guidelines, 2015. Collection method: clinical testing. Allele origin: germline.

Ambry Genetics
Classification: Likely benign for Hereditary cancer-predisposing syndrome. Last evaluated: 2016-10-17. Review status: criteria provided, single submitter. Criteria: Ambry Variant Classification Scheme 2023. Collection method: clinical testing. Allele origin: germline.